The following is an entry in ClinVar:

NM_000059.4(BRCA2):c.1763del (p.Asn588fs)

Gene: BRCA2 (BRCA2 DNA repair associated; plus strand). Cytogenetic location: 13q13.1.
Variant type: Deletion.
Coding change: c.1763del on transcript NM_000059.4 (MANE Select); coding-DNA position 1763, one base deleted (A; older notation c.1763delA).
Protein change: p.Asn588fs; shifts the reading frame from asparagine 588.
Molecular consequence: frameshift variant.
Genome position (GRCh38, 1-based): chr13:32,333,241, A deleted; the last of 3 consecutive A bases (chr13:32,333,239-32,333,241); deleting any one gives the same sequence. VCF-style (leftmost placement, unchanged base first): chr13-32333238-CA-C. GRCh37 (hg19) VCF-style: chr13-32907375-CA-C.
Other names: c.1763delA (NM_000059.3); short protein forms N588fs.
Identifiers: ClinVar variation 2137469 (VCV002137469.5), dbSNP rs1566224252, ClinGen allele CA919242458.

ClinVar aggregate classification (germline): Pathogenic. Review status: criteria provided, multiple submitters, no conflicts (2 of 4 stars). 2 submissions from 2 submitters: Pathogenic (2). Last evaluated 2024-05-03.

Conditions:
Hereditary cancer-predisposing syndrome. Also called: Neoplastic Syndromes, Hereditary; Hereditary Cancer Syndrome; Tumor predisposition; Hereditary neoplastic syndrome. Identifiers: Orphanet 140162, MedGen C0027672, MeSH D009386, MONDO:0015356.
Hereditary breast ovarian cancer syndrome. Also called: Hereditary breast and ovarian cancer; Hereditary breast and/or ovarian cancer syndrome; Breast and ovarian cancer; Hereditary breast and ovarian cancer syndrome; Hereditary breast and ovarian cancer syndrome (HBOC); BRCA1- and BRCA2-Associated Hereditary Breast and Ovarian Cancer. Identifiers: Orphanet 145, MedGen C0677776, MeSH D061325, MONDO:0003582. Disease mechanism: loss of function.

Submissions (2):

Ambry Genetics
Classification: Pathogenic for Hereditary cancer-predisposing syndrome. Last evaluated: 2024-05-03. Review status: criteria provided, single submitter. Criteria: Ambry Variant Classification Scheme 2023. Collection method: clinical testing. Allele origin: germline.
Comment: The c.1763delA pathogenic mutation, located in coding exon 9 of the BRCA2 gene, results from a deletion of one nucleotide at nucleotide position 1763, causing a translational frameshift with a predicted alternate stop codon (p.N588Ifs*26). This variant is considered to be rare based on population cohorts in the Genome Aggregation Database (gnomAD). This alteration is expected to result in loss of function by premature protein truncation or nonsense-mediated mRNA decay. As such, this alteration is interpreted as a disease-causing mutation.

Labcorp Genetics (formerly Invitae), Labcorp
Classification: Pathogenic for Hereditary breast ovarian cancer syndrome. Last evaluated: 2022-07-25. Review status: criteria provided, single submitter. Criteria: Invitae Variant Classification Sherloc (09022015). Collection method: clinical testing. Allele origin: germline.
Comment: This sequence change creates a premature translational stop signal (p.Asn588Ilefs*26) in the BRCA2 gene. It is expected to result in an absent or disrupted protein product. Loss-of-function variants in BRCA2 are known to be pathogenic (PMID: 20104584). This variant is not present in population databases (gnomAD no frequency). This premature translational stop signal has been observed in individual(s) with hereditary breast and ovarian cancer (PMID: 28724667, 31825140). This variant is also known as c.1761delA p.Trp587fsTer26. For these reasons, this variant has been classified as Pathogenic.

Literature cited by the submitters: PubMed 20104584 (cited by Labcorp Genetics (formerly Invitae), Labcorp); PubMed 28724667 (cited by Labcorp Genetics (formerly Invitae), Labcorp); PubMed 31825140 (cited by Labcorp Genetics (formerly Invitae), Labcorp).